The following is an entry in ClinVar:

ClinVar aggregate classification (germline): Uncertain significance. Review status: criteria provided, multiple submitters, no conflicts (2 of 4 stars). 5 submissions from 5 submitters: Uncertain significance (4). 1 of the submissions does not count toward it. Last evaluated 2025-09-16.

Conditions:
RET-related disorder. Also called: RET-related condition; RET-related disease; RET-related disorders.
Multiple endocrine neoplasia type 2B. Also called: MUCOSAL NEUROMA SYNDROME; Multiple endocrine neoplasia, type 3; MULTIPLE ENDOCRINE NEOPLASIA, TYPE IIB; Multiple Endocrine Neoplasia Type 2B (MEN2B); MEN IIB; NEUROMATA, MUCOSAL, WITH ENDOCRINE TUMORS. Identifiers: Orphanet 247709, Orphanet 653, MedGen C0025269, MeSH D018814, MONDO:0008082, OMIM 162300.
Hirschsprung disease, susceptibility to, 1 (HSCR1). Also called: RET-Related Hirschsprung Disease. Identifiers: Orphanet 388, MedGen C3888239, MONDO:0007723, OMIM 142623.
Pheochromocytoma. Also called: MAX-Related Hereditary Paraganglioma-Pheochromocytoma Syndrome. Identifiers: Orphanet 29072, MedGen C0031511, MONDO:0008233, OMIM 171300, HP:0002666.
Multiple endocrine neoplasia type 2A. Also called: MULTIPLE ENDOCRINE NEOPLASIA, TYPE IIA; PTC SYNDROME; SIPPLE SYNDROME; MEN 2A; MEN-2A syndrome; Pheochromocytoma and amyloid producing medullary thyroid carcinoma. Identifiers: Orphanet 247698, Orphanet 653, MedGen C0025268, MeSH D018813, MONDO:0008234, OMIM 171400.
Familial medullary thyroid carcinoma (MTC). Also called: Familial Medullary Thyroid Carcinoma (FMTC); Thyroid cancer, familial medullary; MTC, familial. Identifiers: Orphanet 653, Orphanet 99361, MedGen C1833921, MONDO:0007958, OMIM 155240.
Hereditary cancer-predisposing syndrome. Also called: Hereditary neoplastic syndrome; Neoplastic Syndromes, Hereditary; Tumor predisposition; Hereditary Cancer Syndrome. Identifiers: Orphanet 140162, MedGen C0027672, MeSH D009386, MONDO:0015356.
Multiple endocrine neoplasia, type 2 (MEN2). Identifiers: Orphanet 653, MedGen C4048306, MONDO:0019003. Disease mechanism: gain of function.

Allele frequency attached by ClinVar (database versions not stated): gnomAD 0.00001; gnomAD exomes 0.00001; ExAC 0.00002; ESP Exome Variant Server 0.00008.
gnomAD v4.1: 8 of 1,613,820 alleles (0.0005%); highest among the groups gnomAD compares: South Asian, 0.0022%; no homozygotes.

Submissions (5):

Labcorp Genetics (formerly Invitae), Labcorp
Classification: Uncertain significance for Multiple endocrine neoplasia, type 2. Last evaluated: 2025-09-16. Review status: criteria provided, single submitter. Criteria: Invitae Variant Classification Sherloc (09022015). Collection method: clinical testing. Allele origin: germline.
Comment: This sequence change replaces tyrosine, which is neutral and polar, with histidine, which is basic and polar, at codon 1062 of the RET protein (p.Tyr1062His). This variant is present in population databases (rs138010639, gnomAD 0.004%). This variant has not been reported in the literature in individuals affected with RET-related conditions. ClinVar contains an entry for this variant (Variation ID: 823117). An algorithm developed to predict the effect of missense changes on protein structure and function (PolyPhen-2) suggests that this variant is likely to be disruptive. In summary, the available evidence is currently insufficient to determine the role of this variant in disease. Therefore, it has been classified as a Variant of Uncertain Significance.

Fulgent Genetics
Classification: Uncertain significance for Hirschsprung disease, susceptibility to, 1; Familial medullary thyroid carcinoma; Multiple endocrine neoplasia type 2B; Pheochromocytoma; Multiple endocrine neoplasia type 2A. Last evaluated: 2024-05-10. Review status: criteria provided, single submitter. Criteria: ACMG Guidelines, 2015. Collection method: clinical testing. Allele origin: germline.

Ambry Genetics
Classification: Uncertain significance for Hereditary cancer-predisposing syndrome. Last evaluated: 2024-04-23. Review status: criteria provided, single submitter. Criteria: Ambry Variant Classification Scheme 2023. Collection method: clinical testing. Allele origin: germline.
Comment: The p.Y1062H variant (also known as c.3184T>C), located in coding exon 19 of the RET gene, results from a T to C substitution at nucleotide position 3184. The tyrosine at codon 1062 is replaced by histidine, an amino acid with similar properties. This amino acid position is highly conserved in available vertebrate species. In addition, this alteration is predicted to be deleterious by in silico analysis. Based on the available evidence, the clinical significance of this variant remains unclear.

All of Us Research Program, National Institutes of Health
Classification: Uncertain significance for Multiple endocrine neoplasia, type 2. Last evaluated: 2023-07-22. Review status: criteria provided, single submitter. Criteria: ACMG Guidelines, 2015. Collection method: clinical testing. Allele origin: germline. Inheritance: Autosomal dominant inheritance. Observed: 2 variant alleles, 2 heterozygotes.
Comment: This missense variant replaces tyrosine with histidine at codon 1062 of the RET protein. Computational prediction suggests that this variant may have deleterious impact on protein structure and function (internally defined REVEL score threshold >= 0.7, PMID: 27666373). To our knowledge, functional studies have not been reported for this variant. This variant has not been reported in individuals affected with hereditary cancer in the literature. This variant has been identified in 4/282304 chromosomes in the general population by the Genome Aggregation Database (gnomAD). The available evidence is insufficient to determine the role of this variant in disease conclusively. Therefore, this variant is classified as a Variant of Uncertain Significance.

This study involves interpretation of variants in research participants for the purpose of population health screening. Participant phenotype was not available at the time of variant classification. Additional details can be found in publication PMID: 35346344, PMCID: PMC8962531

PreventionGenetics, part of Exact Sciences
Classification: Uncertain significance for RET-related condition. Last evaluated: 2023-11-21. Review status: no assertion criteria provided. Collection method: clinical testing. Allele origin: germline. Not counted in ClinVar's aggregate classification.
Comment: The RET c.3184T>C variant is predicted to result in the amino acid substitution p.Tyr1062His. This variant was reported in an individual presenting with intractable seizures (Supplemental Table 1, Chetruengchai et al 2022. PubMed ID: 34621001). A different variant impacting the same amino acid residue (p.Tyr1062Cys) has been reported in individuals with Hirschsprung disease (Wu et al. 2005. PubMed ID: 15834508). This variant is reported in 0.0080% of alleles in individuals of African descent in gnomAD. At this time, the clinical significance of this variant is uncertain due to the absence of conclusive functional and genetic evidence.

Literature cited by the submitters: PubMed 15834508 (cited by Ambry Genetics); PubMed 22174939 (cited by Ambry Genetics); PubMed 24728327 (cited by Ambry Genetics).

NM_020975.6(RET):c.3184T>C (p.Tyr1062His)

Gene: RET (ret proto-oncogene; plus strand). Cytogenetic location: 10q11.21.
Variant type: single nucleotide variant.
Coding change: c.3184T>C on transcript NM_020975.6 (MANE Select); coding-DNA position 3184, T replaced by C.
Protein change: p.Tyr1062His; replaces tyrosine 1062 with histidine.
Molecular consequence: missense variant.
Genome position (GRCh38, 1-based): chr10:43,126,719, T>C. VCF-style: chr10-43126719-T-C. GRCh37 (hg19) VCF-style: chr10-43622167-T-C.
Other names: c.2788T>C, p.Tyr930His (NM_001406769.1, NM_001406772.1); c.2896T>C, p.Tyr966His (NM_001406770.1, NM_001406766.1, NM_001406767.1); c.2746T>C, p.Tyr916His (NM_001406771.1, NM_001406773.1); c.2659T>C, p.Tyr887His (NM_001406774.1); c.2458T>C, p.Tyr820His (NM_001406775.1, NM_001406776.1, NM_001406778.1); c.2287T>C, p.Tyr763His (NM_001406779.1, NM_001406780.1, NM_001406781.1 and 1 more transcripts); c.3184T>C, p.Tyr1062His (NM_000323.2, NM_001406743.1, NM_001406744.1 and 2 more transcripts); c.2422T>C, p.Tyr808His (NM_001355216.2); and 10 more; short protein forms Y1062H, Y808H, Y1017H, Y718H, Y723H, Y930H, Y974H, Y579H.
Identifiers: ClinVar variation 823117 (VCV000823117.19), dbSNP rs138010639, ClinGen allele CA042977.